The following is an entry in ClinVar:

NM_001364171.2(ODAD1):c.1272C>T (p.Cys424=)

Gene: ODAD1 (outer dynein arm docking complex subunit 1; minus strand). Cytogenetic location: 19q13.33.
Variant type: single nucleotide variant.
Coding change: c.1272C>T on transcript NM_001364171.2 (MANE Select); coding-DNA position 1272, C replaced by T.
Protein change: p.Cys424=; no amino-acid change (cysteine 424 retained).
Molecular consequence: synonymous variant.
Genome position (GRCh38, 1-based): chr19:48,298,309, G>A on the plus strand (C>T on the coding strand, the complement: ODAD1 is on the minus strand). VCF-style: chr19-48298309-G-A. GRCh37 (hg19) VCF-style: chr19-48801566-G-A.
Other names: c.1161C>T, p.Cys387= (NM_144577.4).
Identifiers: ClinVar variation 1129994 (VCV001129994.42), dbSNP rs555664154, ClinGen allele CA9548748.

ClinVar aggregate classification (germline): Likely benign. Review status: criteria provided, multiple submitters, no conflicts (2 of 4 stars). 4 submissions from 4 submitters: Likely benign (4). Last evaluated 2025-04-22.

Conditions:
Primary ciliary dyskinesia. Also called: Ciliary dyskinesia. Identifiers: Orphanet 244, MedGen C0008780, MONDO:0016575, HP:0012265.

Allele frequency attached by ClinVar (database versions not stated): gnomAD 0.00001; gnomAD exomes 0.00001; ExAC 0.00002; TOPMed 0.00003.
gnomAD v4.1: 22 of 1,614,036 alleles (0.0014%); highest among the groups gnomAD compares: East Asian, 0.0067%; no homozygotes.

Submissions (4):

Labcorp Genetics (formerly Invitae), Labcorp
Classification: Likely benign for Primary ciliary dyskinesia. Last evaluated: 2025-04-22. Review status: criteria provided, single submitter. Criteria: Invitae Variant Classification Sherloc (09022015). Collection method: clinical testing. Allele origin: germline.

CeGaT Center for Human Genetics Tuebingen
Classification: Likely benign. Last evaluated: 2024-02-01. Review status: criteria provided, single submitter. Criteria: CeGaT Center For Human Genetics Tuebingen Variant Classification Criteria Version 2. Collection method: clinical testing. Allele origin: germline. Affected: yes. Observed: 1 variant allele.
Comment: ODAD1: BP4, BP7

Blueprint Genetics
Classification: Likely benign. Last evaluated: 2023-09-06. Review status: criteria provided, single submitter. Criteria: ACMG Guidelines, 2015. Collection method: clinical testing. Allele origin: germline.

Ambry Genetics
Classification: Likely benign for Primary ciliary dyskinesia. Last evaluated: 2019-10-23. Review status: criteria provided, single submitter. Criteria: Ambry Variant Classification Scheme 2023. Collection method: clinical testing. Allele origin: germline.